The following is an entry in ClinVar:

ClinVar aggregate classification (germline): Likely benign. Review status: criteria provided, single submitter (1 of 4 stars). 3 submissions from 3 submitters: Likely benign (1). 2 of the submissions do not count toward it. Last evaluated 2024-12-14.

Conditions:
Multiple acyl-CoA dehydrogenase deficiency (MADD). Also called: Glutaric acidemia type II; GA 2; ETHYLMALONIC-ADIPICACIDURIA; GA II; Glutaric aciduria, type 2; Glutaric Acidemia type 2. Identifiers: Orphanet 26791, MedGen C0268596, MONDO:0009282, OMIM 231680.
ETFA-related disorder. Also called: ETFA-related condition.

Allele frequency attached by ClinVar (database versions not stated): gnomAD 0.00001; gnomAD exomes 0.00001 and 0.00002; ExAC 0.00002; ESP Exome Variant Server 0.00008.
gnomAD v4.1: 21 of 1,613,440 alleles (0.0013%); highest among the groups gnomAD compares: Admixed American, 0.0017%; no homozygotes.

Submissions (3):

Labcorp Genetics (formerly Invitae), Labcorp
Classification: Likely benign for Multiple acyl-CoA dehydrogenase deficiency. Last evaluated: 2024-12-14. Review status: criteria provided, single submitter. Criteria: Invitae Variant Classification Sherloc (09022015). Collection method: clinical testing. Allele origin: germline.

PreventionGenetics, part of Exact Sciences
Classification: Likely benign for ETFA-related condition. Last evaluated: 2022-08-09. Review status: no assertion criteria provided. Collection method: clinical testing. Allele origin: germline. Not counted in ClinVar's aggregate classification.
Comment: This variant is classified as likely benign based on ACMG/AMP sequence variant interpretation guidelines (Richards et al. 2015 PMID: 25741868, with internal and published modifications).

Natera, Inc.
Classification: Uncertain significance for Glutaric aciduria type 2. Last evaluated: 2020-04-19. Review status: no assertion criteria provided. Collection method: clinical testing. Allele origin: germline. Not counted in ClinVar's aggregate classification.

NM_000126.4(ETFA):c.321C>T (p.His107=)

Gene: ETFA (electron transfer flavoprotein subunit alpha; minus strand). Cytogenetic location: 15q24.2.
Variant type: single nucleotide variant.
Coding change: c.321C>T on transcript NM_000126.4 (MANE Select); coding-DNA position 321, C replaced by T.
Protein change: p.His107=; no amino-acid change (histidine 107 retained).
Molecular consequence: synonymous variant.
Genome position (GRCh38, 1-based): chr15:76,292,461, G>A on the plus strand (C>T on the coding strand, the complement: ETFA is on the minus strand). VCF-style: chr15-76292461-G-A. GRCh37 (hg19) VCF-style: chr15-76584802-G-A.
Other names: c.174C>T, p.His58= (NM_001127716.2); c.321C>T (NM_000126.3).
Identifiers: ClinVar variation 989858 (VCV000989858.12), dbSNP rs368550471, ClinGen allele CA7673800.